The following is an entry in ClinVar:

ClinVar aggregate classification (germline): Uncertain significance (1 of 4 stars; one submission).

Conditions:
Hydrolethalus syndrome 1 (HLS1). Identifiers: Orphanet 2189, MedGen C1856016, MONDO:0009365, OMIM 236680.

Submission:

Myriad Genetics, Inc.
Classification: Uncertain significance for Hydrolethalus syndrome 1. Last evaluated: 2025-09-15. Review status: criteria provided, single submitter. Criteria: Myriad Autosomal Dominant, Autosomal Recessive and X-Linked Classification Criteria (2023). Collection method: clinical testing. Allele origin: unknown.
Comment: NM_145014.2(HYLS1):c.683T>A(L228*) is a nonsense variant classified as a variant of uncertain significance in the context of hydrolethalus syndrome. L228* has not been observed in cases with relevant disease. Relevant functional assessments of this variant are not available in the literature. L228* has not been observed in referenced population frequency databases. In summary, there is insufficient evidence to classify NM_145014.2(HYLS1):c.683T>A(L228*) as pathogenic or benign. Please note: this variant was assessed in the context of healthy population screening.

NM_001134793.2(HYLS1):c.683T>A (p.Leu228Ter)

Genes: HYLS1 (HYLS1 centriolar and ciliogenesis associated; plus strand), PUS3 (pseudouridine synthase 3; minus strand). Cytogenetic location: 11q24.2.
Variant type: single nucleotide variant.
Coding change: c.683T>A on transcript NM_001134793.2 (MANE Select); coding-DNA position 683, T replaced by A.
Protein change: p.Leu228Ter; replaces leucine 228 with a stop codon.
Molecular consequence: nonsense. On other transcripts: intron variant (7).
Genome position (GRCh38, 1-based): chr11:125,900,051, T>A. VCF-style: chr11-125900051-T-A. GRCh37 (hg19) VCF-style: chr11-125769946-T-A.
Other names: c.683T>A, p.Leu228Ter (NM_001377269.1, NM_001377270.1, NM_001424364.1 and 1 more transcripts); c.-247+3119A>T (NM_001271985.2); c.-47+3119A>T (NM_001441241.1, NM_001441239.1, NM_031307.4); c.-247+628A>T (NM_001441238.1); c.-47+628A>T (NM_001441240.1, NM_001441237.1); short protein forms L228*.
Identifiers: ClinVar variation 5003395 (VCV005003395.1).